The following is an entry in ClinVar:

NM_000079.4(CHRNA1):c.997C>G (p.Arg333Gly)

Gene: CHRNA1 (cholinergic receptor nicotinic alpha 1 subunit; minus strand). Cytogenetic location: 2q31.1.
Variant type: single nucleotide variant.
Coding change: c.997C>G on transcript NM_000079.4 (MANE Select); coding-DNA position 997, C replaced by G.
Protein change: p.Arg333Gly; replaces arginine 333 with glycine.
Molecular consequence: missense variant.
Genome position (GRCh38, 1-based): chr2:174,749,951, G>C on the plus strand (C>G on the coding strand, the complement: CHRNA1 is on the minus strand). VCF-style: chr2-174749951-G-C. GRCh37 (hg19) VCF-style: chr2-175614679-G-C.
Other names: c.1072C>G, p.Arg358Gly (NM_001039523.3); short protein forms R333G, R358G.
Identifiers: ClinVar variation 663045 (VCV000663045.8), dbSNP rs374391312, ClinGen allele CA349335951.

ClinVar aggregate classification (germline): Uncertain significance (1 of 4 stars; one submission).

Conditions:
Lethal multiple pterygium syndrome (LMPS). Identifiers: Orphanet 33108, MedGen C1854678, MONDO:0009668, OMIM 253290.

Submission:

Labcorp Genetics (formerly Invitae), Labcorp
Classification: Uncertain significance for Lethal multiple pterygium syndrome. Last evaluated: 2018-10-05. Review status: criteria provided, single submitter. Criteria: Invitae Variant Classification Sherloc (09022015). Collection method: clinical testing. Allele origin: germline.
Comment: This sequence change replaces arginine with glycine at codon 333 of the CHRNA1 protein (p.Arg333Gly). The arginine residue is highly conserved and there is a moderate physicochemical difference between arginine and glycine. This variant is not present in population databases (ExAC no frequency). This variant has not been reported in the literature in individuals with CHRNA1-related disease. Algorithms developed to predict the effect of missense changes on protein structure and function are either unavailable or do not agree on the potential impact of this missense change (SIFT: "Deleterious"; PolyPhen-2: "Probably Damaging"; Align-GVGD: "Class C0"). In summary, the available evidence is currently insufficient to determine the role of this variant in disease. Therefore, it has been classified as a Variant of Uncertain Significance.